The following is an entry in ClinVar:

NM_001128205.2(SULF1):c.1820G>A (p.Gly607Asp)

Gene: SULF1 (sulfatase 1; plus strand). Cytogenetic location: 8q13.3.
Variant type: single nucleotide variant.
Coding change: c.1820G>A on transcript NM_001128205.2 (MANE Select); coding-DNA position 1820, G replaced by A.
Protein change: p.Gly607Asp; replaces glycine 607 with aspartic acid.
Molecular consequence: missense variant. On other transcripts: non-coding transcript variant (7).
Genome position (GRCh38, 1-based): chr8:69,624,167, G>A. VCF-style: chr8-69624167-G-A. GRCh37 (hg19) VCF-style: chr8-70536402-G-A.
Other names: c.1763G>A, p.Gly588Asp (NM_001412836.1, NM_001412837.1); c.1691G>A, p.Gly564Asp (NM_001412838.1, NM_001412839.1, NM_001412840.1 and 1 more transcripts); c.1634G>A, p.Gly545Asp (NM_001412841.1, NM_001412842.1); c.1820G>A, p.Gly607Asp (NM_001412843.1, NM_001128204.2, NM_001128206.2 and 10 more transcripts); c.1220G>A, p.Gly407Asp (NM_001412844.1, NM_001412845.1); c.29G>A, p.Gly10Asp (NM_001412846.1); c.1820G>A (NM_001128205.1); short protein forms G10D, G407D, G545D, G564D, G588D, G607D.
Identifiers: ClinVar variation 3014803 (VCV003014803.4), dbSNP rs367704931, ClinGen allele CA4775974.

ClinVar aggregate classification (germline): Uncertain significance. Review status: criteria provided, multiple submitters, no conflicts (2 of 4 stars). 2 submissions from 2 submitters: Uncertain significance (2). Last evaluated 2025-08-31.

Allele frequency attached by ClinVar (database versions not stated): gnomAD 0.00002; TOPMed 0.00003; gnomAD exomes 0.00004; ExAC 0.00008; ESP Exome Variant Server 0.00008.
gnomAD v4.1: 55 of 1,607,640 alleles (0.0034%); highest among the groups gnomAD compares: Non-Finnish European, 0.002%; no homozygotes.

Submissions (2):

Ambry Genetics
Classification: Uncertain significance. Last evaluated: 2025-08-31. Review status: criteria provided, single submitter. Criteria: Ambry Variant Classification Scheme 2023. Collection method: clinical testing. Allele origin: germline.

Labcorp Genetics (formerly Invitae), Labcorp
Classification: Uncertain significance. Last evaluated: 2024-04-25. Review status: criteria provided, single submitter. Criteria: Invitae Variant Classification Sherloc (09022015). Collection method: clinical testing. Allele origin: germline.
Comment: This sequence change replaces glycine, which is neutral and non-polar, with aspartic acid, which is acidic and polar, at codon 607 of the SULF1 protein (p.Gly607Asp). This variant is present in population databases (rs367704931, gnomAD 0.08%), and has an allele count higher than expected for a pathogenic variant. This variant has not been reported in the literature in individuals affected with SULF1-related conditions. An algorithm developed to predict the effect of missense changes on protein structure and function (PolyPhen-2) suggests that this variant is likely to be tolerated. In summary, the available evidence is currently insufficient to determine the role of this variant in disease. Therefore, it has been classified as a Variant of Uncertain Significance.